The following is an entry in ClinVar:

ClinVar aggregate classification (germline): Uncertain significance (1 of 4 stars; one submission).

gnomAD v4.1: 1 of 1,614,178 alleles (0.000062%); no homozygotes.

Submission:

GeneDx
Classification: Uncertain significance. Last evaluated: 2023-01-25. Review status: criteria provided, single submitter. Criteria: GeneDx Variant Classification Process June 2021. Collection method: clinical testing. Allele origin: germline. Affected: yes.
Comment: Not observed at significant frequency in large population cohorts (gnomAD); In silico analysis supports that this missense variant does not alter protein structure/function; Has not been previously published as pathogenic or benign to our knowledge

NM_006445.4(PRPF8):c.6895G>A (p.Ala2299Thr)

Gene: PRPF8 (pre-mRNA processing factor 8; minus strand). Cytogenetic location: 17p13.3.
Variant type: single nucleotide variant.
Coding change: c.6895G>A on transcript NM_006445.4 (MANE Select); coding-DNA position 6895, G replaced by A.
Protein change: p.Ala2299Thr; replaces alanine 2299 with threonine.
Molecular consequence: missense variant.
Genome position (GRCh38, 1-based): chr17:1,650,915, C>T on the plus strand (G>A on the coding strand, the complement: PRPF8 is on the minus strand). VCF-style: chr17-1650915-C-T. GRCh37 (hg19) VCF-style: chr17-1554209-C-T.
Other names: short protein forms A2299T.
Identifiers: ClinVar variation 2574292 (VCV002574292.1), dbSNP rs2543709993, ClinGen allele CA397562287.